The following is an entry in ClinVar:

ClinVar aggregate classification (germline): Likely benign (0 of 4 stars; one submission).

Conditions:
LRIG1-related disorder. Also called: LRIG1-related condition.

Allele frequency attached by ClinVar (database versions not stated): 1000 Genomes Project 0.00060; 1000 Genomes Project 30x 0.00078; TOPMed 0.00090; gnomAD 0.00097; ESP Exome Variant Server 0.00115.
gnomAD v4.1: 2,478 of 1,614,084 alleles (0.15%); highest among the groups gnomAD compares: Non-Finnish European, 0.2%; 3 homozygotes.

Submission:

PreventionGenetics, part of Exact Sciences
Classification: Likely benign for LRIG1-related condition. Last evaluated: 2019-10-28. Review status: no assertion criteria provided. Collection method: clinical testing. Allele origin: germline.
Comment: This variant is classified as likely benign based on ACMG/AMP sequence variant interpretation guidelines (Richards et al. 2015 PMID: 25741868, with internal and published modifications).

NM_015541.3(LRIG1):c.1509C>A (p.Thr503=)

Gene: LRIG1 (leucine rich repeats and immunoglobulin like domains 1; minus strand). Cytogenetic location: 3p14.1.
Variant type: single nucleotide variant.
Coding change: c.1509C>A on transcript NM_015541.3 (MANE Select); coding-DNA position 1509, C replaced by A.
Protein change: p.Thr503=; no amino-acid change (threonine 503 retained).
Molecular consequence: synonymous variant.
Genome position (GRCh38, 1-based): chr3:66,386,261, G>T on the plus strand (C>A on the coding strand, the complement: LRIG1 is on the minus strand). VCF-style: chr3-66386261-G-T. GRCh37 (hg19) VCF-style: chr3-66436685-G-T.
Other names: c.1434C>A, p.Thr478= (NM_001377344.1); c.729C>A, p.Thr243= (NM_001377345.1, NM_001377346.1); c.507C>A, p.Thr169= (NM_001377347.1); c.480C>A, p.Thr160= (NM_001377348.1); c.225C>A, p.Thr75= (NM_001377349.1).
Identifiers: ClinVar variation 3056870 (VCV003056870.2), dbSNP rs149185220, ClinGen allele CA2484711.